The following is an entry in ClinVar:

ClinVar aggregate classification (germline): Benign/Likely benign. Review status: criteria provided, multiple submitters, no conflicts (2 of 4 stars). 15 submissions from 14 submitters: Benign (8); Likely benign (6). 1 of the submissions does not count toward it. Last evaluated 2026-06-01.

Conditions:
Gastrointestinal stromal tumor. Also called: Gastrointestinal stroma tumor; Gastrointestinal stromal tumor, somatic. Identifiers: Orphanet 44890, MedGen C0238198, MeSH D046152, MONDO:0011719, OMIM 606764, HP:0100723.
Pheochromocytoma. Also called: MAX-Related Hereditary Paraganglioma-Pheochromocytoma Syndrome. Identifiers: Orphanet 29072, MedGen C0031511, MONDO:0008233, OMIM 171300, HP:0002666.
Carney-Stratakis syndrome. Also called: PARAGANGLIOMA AND GASTROINTESTINAL STROMAL TUMOR. Identifiers: Orphanet 97286, MedGen C1847319, MONDO:0011740, OMIM 606864.
Pheochromocytoma/paraganglioma syndrome 4. Also called: SDHB-Related Hereditary Paraganglioma-Pheochromocytoma Syndrome (Paragangliomas 4); CAROTID BODY TUMORS AND MULTIPLE EXTRAADRENAL PHEOCHROMOCYTOMAS; SDHB-Related Hereditary Paraganglioma-Pheochromocytoma Syndrome; PARAGANGLIOMA, FAMILIAL MALIGNANT; PARAGANGLIOMAS, HEREDITARY EXTRAADRENAL; PHEOCHROMOCYTOMA, FAMILIAL EXTRAADRENAL. Identifiers: Orphanet 29072, MedGen C1861848, MONDO:0007273, OMIM 115310.
Cowden syndrome 1 (CWS1). Also called: PTEN-Related Cowden Syndrome. Identifiers: MedGen CN072330, MONDO:0008021, OMIM 158350. Disease mechanism: gain of function.
SDHB-related disorder. Also called: SDHB-related condition; SDHB-related disorders. Identifiers: MedGen CN239418.
Mitochondrial complex 2 deficiency, nuclear type 4. Also called: MITOCHONDRIAL COMPLEX II DEFICIENCY, NUCLEAR TYPE 4. Identifiers: MedGen C5543176, MONDO:0030974, OMIM 619224.
Hereditary cancer-predisposing syndrome. Also called: Tumor predisposition; Neoplastic Syndromes, Hereditary; Hereditary Cancer Syndrome; Hereditary neoplastic syndrome. Identifiers: Orphanet 140162, MedGen C0027672, MeSH D009386, MONDO:0015356.
Hereditary pheochromocytoma and paraganglioma. Also called: Hereditary paragangliomas and pheochromocytomas; Hereditary Paraganglioma-Pheochromocytoma Syndromes; Hereditary pheochromocytoma-paraganglioma. Identifiers: Orphanet 29072, MedGen C4274332, MONDO:0017366.

Allele frequency attached by ClinVar (database versions not stated): gnomAD exomes 0.00025 and 0.00053; gnomAD 0.00041; TOPMed 0.00041; ExAC 0.00046; ESP Exome Variant Server 0.00054.
gnomAD v4.1: 458 of 1,614,034 alleles (0.028%); highest among the groups gnomAD compares: Admixed American, 0.015%; 3 homozygotes.

Submissions (15):

CeGaT Center for Human Genetics Tuebingen
Classification: Benign. Last evaluated: 2026-06-01. Review status: criteria provided, single submitter. Criteria: CeGaT Center For Human Genetics Tuebingen Variant Classification Criteria Version 2. Collection method: clinical testing. Allele origin: germline. Affected: yes. Observed: 20 variant alleles.
Comment: SDHB: BS1, BS2

Labcorp Genetics (formerly Invitae), Labcorp
Classification: Benign for Gastrointestinal stromal tumor; Pheochromocytoma/paraganglioma syndrome 4; Pheochromocytoma. Last evaluated: 2026-02-03. Review status: criteria provided, single submitter. Criteria: Invitae Variant Classification Sherloc (09022015). Collection method: clinical testing. Allele origin: germline.

Center for Genomic Medicine, Rigshospitalet, Copenhagen University Hospital
Classification: Likely benign. Last evaluated: 2025-03-04. Review status: criteria provided, single submitter. Criteria: ACMG Guidelines, 2015. Collection method: clinical testing. Allele origin: germline.

Blueprint Genetics
Classification: Likely benign. Last evaluated: 2024-11-22. Review status: criteria provided, single submitter. Criteria: ACMG Guidelines, 2015. Collection method: clinical testing. Allele origin: germline.

Department of Pathology and Laboratory Medicine, Sinai Health System
Classification: Likely benign for Pheochromocytoma/paraganglioma syndrome 4; Gastrointestinal stromal tumor; Carney-Stratakis syndrome; Mitochondrial complex 2 deficiency, nuclear type 4. Last evaluated: 2023-09-05. Review status: criteria provided, single submitter. Criteria: ACMG Guidelines, 2015. Collection method: clinical testing. Allele origin: germline. Affected: no.

Color Diagnostics, LLC DBA Color Health
Classification: Benign for Hereditary pheochromocytoma and paraganglioma. Last evaluated: 2022-09-20. Review status: criteria provided, single submitter. Criteria: ACMG Guidelines, 2015. Collection method: clinical testing. Allele origin: germline.

Sema4
Classification: Benign for Hereditary cancer-predisposing syndrome. Last evaluated: 2021-07-15. Review status: criteria provided, single submitter. Criteria: Sema4 Curation Guidelines. Collection method: curation. Allele origin: germline.

Women's Health and Genetics/Laboratory Corporation of America, LabCorp
Classification: Benign. Last evaluated: 2021-01-17. Review status: criteria provided, single submitter. Criteria: LabCorp Variant Classification Summary - May 2015. Collection method: clinical testing. Allele origin: germline.
Comment: Variant summary: SDHB c.158G>A (p.Gly53Glu) results in a non-conservative amino acid change located in the 2Fe-2S ferredoxin-type iron-sulfur binding domain (IPR010141) of the encoded protein sequence. Three of five in-silico tools predict a damaging effect of the variant on protein function. The variant allele was found at a frequency of 0.00053 in 251378 control chromosomes in the gnomAD database, including 1 homozygote. The observed variant frequency is higher than the estimated maximal expected allele frequency for a pathogenic variant in SDHB causing Hereditary Paraganglioma-Pheochromocytoma Syndrome phenotype (2.2e-07), strongly suggesting that the variant is benign. Although, this variant has been reported in the literature (example, Fishbein_2013, Cox_2018), to our knowledge, no occurrence of c.158G>A in individuals affected with Hereditary Paraganglioma-Pheochromocytoma Syndrome and no experimental evidence demonstrating its impact on protein function have been reported. Five clinical diagnostic laboratories have submitted clinical-significance assessments for this variant to ClinVar after 2014 without evidence for independent evaluation. All laboratories classified the variant as benign (n=3)/likely benign (n=2). Based on the evidence outlined above, the variant was classified as benign.

GeneDx
Classification: Likely benign. Last evaluated: 2020-08-25. Review status: criteria provided, single submitter. Criteria: GeneDx Variant Classification Process June 2021. Collection method: clinical testing. Allele origin: germline. Affected: yes.
Comment: This variant is associated with the following publications: (PMID: 23512077, 25694510, 21979946, 25394176, 19802898, 18458953, 23072324, 20923864, 28873162, 30152102)

Illumina Laboratory Services, Illumina
Classification: Likely benign for Carney-Stratakis syndrome. Last evaluated: 2019-04-21. Review status: criteria provided, single submitter. Criteria: ICSL Variant Classification Criteria 13 December 2019. Collection method: clinical testing. Allele origin: germline.
Comment: This variant was observed as part of a predisposition screen in an ostensibly healthy population. A literature search was performed for the gene, cDNA change, and amino acid change (where applicable). No publications were found based on this search. Allele frequency data from public databases allowed determination this variant is unlikely to cause disease. Therefore, this variant is classified as likely benign.

Illumina Laboratory Services, Illumina
Classification: Likely benign for Hereditary Paraganglioma-Pheochromocytoma Syndromes. Last evaluated: 2019-04-21. Review status: criteria provided, single submitter. Criteria: ICSL Variant Classification Criteria 13 December 2019. Collection method: clinical testing. Allele origin: germline.
Comment: This variant was observed as part of a predisposition screen in an ostensibly healthy population. A literature search was performed for the gene, cDNA change, and amino acid change (where applicable). Publications were found based on this search. The evidence from the literature, in combination with allele frequency data from public databases where available, was sufficient to determine this variant is unlikely to cause disease. Therefore, this variant is classified as likely benign.

Athena Diagnostics
Classification: Benign. Last evaluated: 2018-01-08. Review status: criteria provided, single submitter. Criteria: Athena Diagnostics Criteria. Collection method: clinical testing. Allele origin: germline.

Quest Diagnostics Nichols Institute San Juan Capistrano
Classification: Benign. Last evaluated: 2018-01-08. Review status: criteria provided, single submitter. Criteria: Quest Diagnostics criteria. Collection method: clinical testing. Allele origin: unknown.

Ambry Genetics
Classification: Benign for Hereditary cancer-predisposing syndrome. Last evaluated: 2015-09-06. Review status: criteria provided, single submitter. Criteria: Ambry Variant Classification Scheme 2023. Collection method: clinical testing. Allele origin: germline.

PreventionGenetics, part of Exact Sciences
Classification: Likely benign for SDHB-related condition. Last evaluated: 2020-07-13. Review status: no assertion criteria provided. Collection method: clinical testing. Allele origin: germline. Not counted in ClinVar's aggregate classification.
Comment: This variant is classified as likely benign based on ACMG/AMP sequence variant interpretation guidelines (Richards et al. 2015 PMID: 25741868, with internal and published modifications).

Literature cited by the submitters: PubMed 30152102 (cited by Department of Pathology and Laboratory Medicine, Sinai Health System and Women's Health and Genetics/Laboratory Corporation of America, LabCorp); PubMed 20923864 (cited by 3 submitters); PubMed 23072324 (cited by 3 submitters); PubMed 25694510 (cited by 3 submitters); PubMed 21979946 (cited by 4 submitters); PubMed 23512077 (cited by 4 submitters); PubMed 19802898 (cited by 4 submitters).

NM_003000.3(SDHB):c.158G>A (p.Gly53Glu)

Gene: SDHB (succinate dehydrogenase complex iron sulfur subunit B; minus strand). Cytogenetic location: 1p36.13.
Variant type: single nucleotide variant.
Coding change: c.158G>A on transcript NM_003000.3 (MANE Select); coding-DNA position 158, G replaced by A.
Protein change: p.Gly53Glu; replaces glycine 53 with glutamic acid.
Molecular consequence: missense variant.
Genome position (GRCh38, 1-based): chr1:17,044,803, C>T on the plus strand (G>A on the coding strand, the complement: SDHB is on the minus strand). VCF-style: chr1-17044803-C-T. GRCh37 (hg19) VCF-style: chr1-17371298-C-T.
Other names: short protein forms G53E.
Identifiers: ClinVar variation 184148 (VCV000184148.59), dbSNP rs34916635, ClinGen allele CA015535.